The following is an entry in ClinVar:

NM_002185.5(IL7R):c.*453G>T

Gene: IL7R (interleukin 7 receptor; plus strand). Cytogenetic location: 5p13.2.
Variant type: single nucleotide variant.
Coding change: c.*453G>T on transcript NM_002185.5 (MANE Select); 453 bases downstream of the stop codon, G replaced by T.
Molecular consequence: 3 prime UTR variant. On other transcripts: non-coding transcript variant (1).
Genome position (GRCh38, 1-based): chr5:35,876,939, G>T. VCF-style: chr5-35876939-G-T. GRCh37 (hg19) VCF-style: chr5-35877041-G-T.
Identifiers: ClinVar variation 353273 (VCV000353273.6), dbSNP rs79286909, ClinGen allele CA10624379.
Genomic context (GRCh38, chr5:35,876,939, plus strand): 5'-AGTGCTTTGCAAGTGCTCTGCGCACCTTGTCTCACTCCATCCTGACAATAATCCTGGGAG[G>T]TGTGTGCAATTACTACGACTACTCTCTTTTTTATAGATCATTAAATTCAGAACTAAGGAG-3'

ClinVar aggregate classification (germline): Benign. Review status: criteria provided, multiple submitters, no conflicts (2 of 4 stars). 2 submissions from 2 submitters: Benign (2). Last evaluated 2018-01-13.

Conditions:
Immunodeficiency 104. Also called: SCID, AUTOSOMAL RECESSIVE, T CELL-NEGATIVE, B CELL-POSITIVE, NK CELL-POSITIVE; Severe Combined Immune Deficiency, Autosomal Recessive, TCell -Negative, B Cell-Positive, NK Cell-Positive, IL7R-Related; Severe combined immunodeficiency, autosomal recessive, T cell-negative, B cell-positive, NK cell-positive; IMMUNODEFICIENCY 104, SEVERE COMBINED. Identifiers: MedGen C5676890, MONDO:0012163, OMIM 608971.

Allele frequency attached by ClinVar (database versions not stated): gnomAD 0.00464 and 0.00629; TOPMed 0.00583; gnomAD exomes 0.01257; 1000 Genomes Project 30x 0.01827; 1000 Genomes Project 0.01977.
gnomAD v4.1: 2,230 of 255,710 alleles (0.87%); highest among the groups gnomAD compares: East Asian, 5.6%; 33 homozygotes.

Submissions (2):

Illumina Laboratory Services, Illumina
Classification: Benign for Immunodeficiency 104. Last evaluated: 2018-01-13. Review status: criteria provided, single submitter. Criteria: ICSL Variant Classification Criteria 13 December 2019. Collection method: clinical testing. Allele origin: germline.
Comment: This variant was observed in the ICSL laboratory as part of a predisposition screen in an ostensibly healthy population. It had not been previously curated by ICSL or reported in the Human Gene Mutation Database (HGMD: prior to June 1st, 2018), and was therefore a candidate for classification through an automated scoring system. Utilizing variant allele frequency, disease prevalence and penetrance estimates, and inheritance mode, an automated score was calculated to assess if this variant is too frequent to cause the disease. Based on the score and internal cut-off values, a variant classified as benign is not then subjected to further curation. The score for this variant resulted in a classification of benign for this disease.

Breakthrough Genomics
Classification: Benign. Review status: criteria provided, single submitter. Criteria: ACMG Guidelines, 2015. Collection method: not provided. Allele origin: germline. Inheritance: Autosomal recessive inheritance. Affected: yes.